The following is an entry in ClinVar:

NM_001371279.1(REEP1):c.194A>G (p.Tyr65Cys)

Gene: REEP1 (receptor accessory protein 1; minus strand). Cytogenetic location: 2p11.2.
Variant type: single nucleotide variant.
Coding change: c.194A>G on transcript NM_001371279.1 (MANE Select); coding-DNA position 194, A replaced by G.
Protein change: p.Tyr65Cys; replaces tyrosine 65 with cysteine.
Molecular consequence: missense variant. On other transcripts: intron variant (1).
Genome position (GRCh38, 1-based): chr2:86,254,803, T>C on the plus strand (A>G on the coding strand, the complement: REEP1 is on the minus strand). VCF-style: chr2-86254803-T-C. GRCh37 (hg19) VCF-style: chr2-86481926-T-C.
Other names: c.215A>G, p.Tyr72Cys (NM_001164730.2); c.113A>G, p.Tyr38Cys (NM_001164731.2); c.194A>G, p.Tyr65Cys (NM_001371280.1, NM_022912.3); c.182+9162A>G (NM_001164732.2); short protein forms Y72C, Y65C, Y38C.
Identifiers: ClinVar variation 465819 (VCV000465819.12), dbSNP rs1553461508, ClinGen allele CA347717642.
Genomic context (GRCh38, chr2:86,254,803, plus strand): 5'-CTGGAGCCTTTTGTGTAGGGAGACAGCAGCCAGGCTACAAATGCTATTTTTAGTTCATAA[T>C]AGAATGGAAACCTGGAGAGAGAGATGAAAACACAAGTTCTGTTAGGTTCTCAGCAACACT-3'
Protein context (NP_001358208.1, residues 55-75): TDIFLCWFPF[Tyr65Cys]YELKIAFVAW

ClinVar aggregate classification (germline): Uncertain significance. Review status: criteria provided, multiple submitters, no conflicts (2 of 4 stars). 3 submissions from 3 submitters: Uncertain significance (3). Last evaluated 2024-08-21.

Conditions:
Hereditary spastic paraplegia. Also called: Familial spastic paraparesis. Identifiers: Orphanet 685, MedGen C0037773, MONDO:0019064. Disease mechanism: loss of function.
Hereditary spastic paraplegia 31. Also called: SPASTIC PARAPLEGIA 31, AUTOSOMAL DOMINANT. Identifiers: Orphanet 101011, MedGen C1853247, MONDO:0012453, OMIM 610250.

Submissions (3):

Blueprint Genetics
Classification: Uncertain significance. Last evaluated: 2024-08-21. Review status: criteria provided, single submitter. Criteria: ACMG Guidelines, 2015. Collection method: clinical testing. Allele origin: germline.

Labcorp Genetics (formerly Invitae), Labcorp
Classification: Uncertain significance for Hereditary spastic paraplegia 31. Last evaluated: 2022-10-09. Review status: criteria provided, single submitter. Criteria: Invitae Variant Classification Sherloc (09022015). Collection method: clinical testing. Allele origin: germline.
Comment: In summary, the available evidence is currently insufficient to determine the role of this variant in disease. Therefore, it has been classified as a Variant of Uncertain Significance. Algorithms developed to predict the effect of missense changes on protein structure and function (SIFT, PolyPhen-2, Align-GVGD) all suggest that this variant is likely to be disruptive. ClinVar contains an entry for this variant (Variation ID: 465819). This missense change has been observed in individual(s) with clinical features of REEP1-related conditions (Invitae). This variant is not present in population databases (gnomAD no frequency). This sequence change replaces tyrosine, which is neutral and polar, with cysteine, which is neutral and slightly polar, at codon 65 of the REEP1 protein (p.Tyr65Cys).

Genome Diagnostics Laboratory, The Hospital for Sick Children
Classification: Uncertain significance for Hereditary spastic paraplegia. Last evaluated: 2016-12-12. Review status: criteria provided, single submitter. Criteria: ACMG Guidelines, 2015. Collection method: clinical testing. Allele origin: germline. Affected: yes.